The following is an entry in ClinVar:

NM_022841.7(RFX7):c.2116_2117del (p.Glu706fs)

Gene: RFX7 (regulatory factor X7; minus strand). Cytogenetic location: 15q21.3.
Variant type: Deletion.
Coding change: c.2116_2117del on transcript NM_022841.7 (MANE Select); coding-DNA positions 2116 to 2117, 2 bases deleted (GA; older notation c.2116_2117delGA).
Protein change: p.Glu706fs; shifts the reading frame from glutamic acid 706.
Molecular consequence: frameshift variant.
Genome position (GRCh38, 1-based): chr15:56,095,611-56,095,612, TC deleted on the plus strand (GA on the coding strand, the reverse complement: RFX7 is on the minus strand); deleting any 2 consecutive bases within chr15:56,095,611-56,095,613 gives the same sequence; the c. name uses the placement nearest the transcript's 3' end. VCF-style (leftmost placement, unchanged base first): chr15-56095610-TTC-T. GRCh37 (hg19) VCF-style: chr15-56387808-TTC-T.
Other names: c.1825_1826del, p.Glu609fs (NM_001368073.2, NM_001368074.1, NM_001370554.1); c.2116_2117del, p.Glu706fs (NM_001370561.1); short protein forms E609fs, E706fs.
Identifiers: ClinVar variation 2578396 (VCV002578396.1), dbSNP rs2504989046, ClinGen allele CA2580617699.

ClinVar aggregate classification (germline): Likely pathogenic (1 of 4 stars; one submission).

Submission:

Institute of Human Genetics, FAU Erlangen, Friedrich-Alexander-Universität Erlangen-Nürnberg
Classification: Likely pathogenic. Last evaluated: 2023-09-08. Review status: criteria provided, single submitter. Criteria: Hauer et al. (Genet Med. 2018). Collection method: clinical testing. Allele origin: germline. Inheritance: Autosomal dominant inheritance. Affected: yes. Observed: 1 variant allele.
Comment: This variant has been identified by standard clinical testing. Selected ACMG criteria: Likely pathogenic (I):PM2;PVS1